The following is an entry in ClinVar:

ClinVar aggregate classification (germline): Uncertain significance (1 of 4 stars; one submission).

Conditions:
Hereditary cancer-predisposing syndrome. Also called: Tumor predisposition; Hereditary neoplastic syndrome; Hereditary Cancer Syndrome; Neoplastic Syndromes, Hereditary. Identifiers: Orphanet 140162, MedGen C0027672, MeSH D009386, MONDO:0015356.

Submission:

Ambry Genetics
Classification: Uncertain significance for Hereditary cancer-predisposing syndrome. Last evaluated: 2023-09-23. Review status: criteria provided, single submitter. Criteria: Ambry Variant Classification Scheme 2023. Collection method: clinical testing. Allele origin: germline.
Comment: The p.D368N variant (also known as c.1102G>A), located in coding exon 10 of the MRE11A gene, results from a G to A substitution at nucleotide position 1102. The aspartic acid at codon 368 is replaced by asparagine, an amino acid with highly similar properties. This amino acid position is conserved. In addition, this alteration is predicted to be tolerated by in silico analysis. Since supporting evidence is limited at this time, the clinical significance of this alteration remains unclear.

NM_005591.4(MRE11):c.1102G>A (p.Asp368Asn)

Gene: MRE11 (MRE11 double strand break repair nuclease; minus strand). Cytogenetic location: 11q21.
Variant type: single nucleotide variant.
Coding change: c.1102G>A on transcript NM_005591.4 (MANE Select); coding-DNA position 1102, G replaced by A.
Protein change: p.Asp368Asn; replaces aspartic acid 368 with asparagine.
Molecular consequence: missense variant.
Genome position (GRCh38, 1-based): chr11:94,464,236, C>T on the plus strand (G>A on the coding strand, the complement: MRE11 is on the minus strand). VCF-style: chr11-94464236-C-T. GRCh37 (hg19) VCF-style: chr11-94197402-C-T.
Other names: c.1102G>A, p.Asp368Asn (NM_001330347.2, NM_005590.4); short protein forms D368N.
Identifiers: ClinVar variation 3224816 (VCV003224816.1), dbSNP rs775751783, ClinGen allele CA382373085.